The following is an entry in ClinVar:

NM_002187.3(IL12B):c.364+49A>G

Gene: IL12B (interleukin 12B; minus strand). Cytogenetic location: 5q33.3.
Variant type: single nucleotide variant.
Coding change: c.364+49A>G on transcript NM_002187.3 (MANE Select); 49 bases into the intron after coding-DNA position 364, A replaced by G.
Molecular consequence: intron variant.
Genome position (GRCh38, 1-based): chr5:159,323,005, T>C on the plus strand (A>G on the coding strand, the complement: IL12B is on the minus strand). VCF-style: chr5-159323005-T-C. GRCh37 (hg19) VCF-style: chr5-158750013-T-C.
Identifiers: ClinVar variation 2628167 (VCV002628167.2), dbSNP rs2288831, ClinGen allele CA3538826.

ClinVar aggregate classification (germline): Benign (1 of 4 stars; one submission).

Allele frequency attached by ClinVar (database versions not stated): gnomAD exomes 0.22442; ESP Exome Variant Server 0.24615; gnomAD 0.26543; ExAC 0.27251; TOPMed 0.28190; 1000 Genomes Project 30x 0.35634; 1000 Genomes Project 0.36162.
gnomAD v4.1: 360,201 of 1,571,908 alleles (23%); highest among the groups gnomAD compares: East Asian, 50%; 46,246 homozygotes.

Submission:

Unidad de Genómica Garrahan, Hospital de Pediatría Garrahan
Classification: Benign. Last evaluated: 2023-11-12. Review status: criteria provided, single submitter. Criteria: ACMG Guidelines, 2015. Collection method: clinical testing. Allele origin: germline. Affected: no. Observed: 51 variant alleles.
Comment: This variant is classified as Benign based on local population frequency. This variant was detected in 53% of patients studied by a panel of primary immunodeficiencies. Number of patients: 51. Only high quality variants are reported.